The following is an entry in ClinVar:

NM_032776.3(JMJD1C):c.4375G>A (p.Ala1459Thr)

Gene: JMJD1C (jumonji domain containing 1C; minus strand). Cytogenetic location: 10q21.3.
Variant type: single nucleotide variant.
Coding change: c.4375G>A on transcript NM_032776.3 (MANE Select); coding-DNA position 4375, G replaced by A.
Protein change: p.Ala1459Thr; replaces alanine 1459 with threonine.
Molecular consequence: missense variant. On other transcripts: non-coding transcript variant (1).
Genome position (GRCh38, 1-based): chr10:63,207,294, C>T on the plus strand (G>A on the coding strand, the complement: JMJD1C is on the minus strand). VCF-style: chr10-63207294-C-T. GRCh37 (hg19) VCF-style: chr10-64967054-C-T.
Other names: c.3829G>A, p.Ala1277Thr (NM_001282948.2, NM_001318154.2); c.3511G>A, p.Ala1171Thr (NM_001318153.2); c.4261G>A, p.Ala1421Thr (NM_001322252.2); c.3718G>A, p.Ala1240Thr (NM_001322254.2, NM_001322258.2); short protein forms A1459T, A1240T, A1171T, A1277T, A1421T.
Identifiers: ClinVar variation 4745093 (VCV004745093.1).
Genomic context (GRCh38, chr10:63,207,294, plus strand): 5'-AATCAGTTGTGCCTGAGAACCCAGAACTGGGTTGAACAACACTTCCTGTCTTACTACTGG[C>T]TAATGTAACTGGTGCTGTGGTGCTGACCTTGCATTCTTGTTTTTGAGCCACTGGCTGACT-3'
Protein context (NP_116165.1, residues 1449-1469): KVSTTAPVTL[Ala1459Thr]SSKTGSVVQP

ClinVar aggregate classification (germline): Uncertain significance (1 of 4 stars; one submission).

Conditions:
Early Myoclonic Encephalopathy. Identifiers: MedGen C0270855.

gnomAD v4.1: 4 of 1,613,718 alleles (0.00025%); highest among the groups gnomAD compares: Non-Finnish European, 0.00034%; no homozygotes.

Submission:

Labcorp Genetics (formerly Invitae), Labcorp
Classification: Uncertain significance for Early Myoclonic Encephalopathy. Last evaluated: 2025-04-14. Review status: criteria provided, single submitter. Criteria: Invitae Variant Classification Sherloc (09022015). Collection method: clinical testing. Allele origin: germline.
Comment: This sequence change replaces alanine, which is neutral and non-polar, with threonine, which is neutral and polar, at codon 1459 of the JMJD1C protein (p.Ala1459Thr). This variant is not present in population databases (gnomAD no frequency). This variant has not been reported in the literature in individuals affected with JMJD1C-related conditions. Invitae Evidence Modeling of protein sequence and biophysical properties (such as structural, functional, and spatial information, amino acid conservation, physicochemical variation, residue mobility, and thermodynamic stability) indicates that this missense variant is not expected to disrupt JMJD1C protein function with a negative predictive value of 80%. In summary, the available evidence is currently insufficient to determine the role of this variant in disease. Therefore, it has been classified as a Variant of Uncertain Significance.